The following is an entry in ClinVar:

NM_001350451.2(RBFOX3):c.1004G>T (p.Gly335Val)

Gene: RBFOX3 (RNA binding fox-1 homolog 3; minus strand). Cytogenetic location: 17q25.3.
Variant type: single nucleotide variant.
Coding change: c.1004G>T on transcript NM_001350451.2 (MANE Select); coding-DNA position 1004, G replaced by T.
Protein change: p.Gly335Val; replaces glycine 335 with valine.
Molecular consequence: missense variant.
Genome position (GRCh38, 1-based): chr17:79,094,524, C>A on the plus strand (G>T on the coding strand, the complement: RBFOX3 is on the minus strand). VCF-style: chr17-79094524-C-A. GRCh37 (hg19) VCF-style: chr17-77090606-C-A.
Other names: c.863G>T, p.Gly288Val (NM_001082575.3, NM_001350453.2, NM_001385833.1 and 16 more transcripts); c.1004G>T, p.Gly335Val (NM_001385804.1, NM_001385805.1, NM_001385807.1 and 14 more transcripts); c.1001G>T, p.Gly334Val (NM_001385806.1, NM_001385822.1, NM_001385823.1); c.911G>T, p.Gly304Val (NM_001385824.1); c.884G>T, p.Gly295Val (NM_001385827.1); c.860G>T, p.Gly287Val (NM_001385843.1, NM_001385844.1, NM_001385845.1 and 1 more transcripts); c.716G>T, p.Gly239Val (NM_001385847.1); short protein forms G288V, G304V, G335V, G239V, G287V, G295V, G334V.
Identifiers: ClinVar variation 1506280 (VCV001506280.8), dbSNP rs2146211667, ClinGen allele CA401315767.
Genomic context (GRCh38, chr17:79,094,524, plus strand): 5'-CTGTAGGTCGCCGCGGGCCCGATGGTGTGATGGTACGGGTCGGCAGCTGCGTAGACTCTG[C>A]CGTAACTAGGGAAGAGCGTGGGAGGGGGAGTGGGAGGAGGGTGGGGGAGGGGGGCAGGTG-3'
Protein context (NP_001337380.1, residues 325-345): AAAAAYSDSY[Gly335Val]RVYAAADPYH

ClinVar aggregate classification (germline): Uncertain significance (1 of 4 stars; one submission).

Conditions:
Idiopathic generalized epilepsy. Also called: Generalised epilepsy; EIG. Identifiers: MedGen C0270850, MONDO:0005579, OMIM 600669.

Allele frequency attached by ClinVar (database versions not stated): gnomAD exomes below 0.00001.
gnomAD v4.1: 2 of 1,357,108 alleles (0.00015%); highest among the groups gnomAD compares: Non-Finnish European, 0.00019%; no homozygotes.

Submission:

Labcorp Genetics (formerly Invitae), Labcorp
Classification: Uncertain significance for Idiopathic generalized epilepsy. Last evaluated: 2024-01-11. Review status: criteria provided, single submitter. Criteria: Invitae Variant Classification Sherloc (09022015). Collection method: clinical testing. Allele origin: germline.
Comment: This sequence change replaces glycine, which is neutral and non-polar, with valine, which is neutral and non-polar, at codon 288 of the RBFOX3 protein (p.Gly288Val). This variant is not present in population databases (gnomAD no frequency). This variant has not been reported in the literature in individuals affected with RBFOX3-related conditions. ClinVar contains an entry for this variant (Variation ID: 1506280). Advanced modeling of protein sequence and biophysical properties (such as structural, functional, and spatial information, amino acid conservation, physicochemical variation, residue mobility, and thermodynamic stability) performed at Invitae indicates that this missense variant is expected to disrupt RBFOX3 protein function with a positive predictive value of 80%. In summary, the available evidence is currently insufficient to determine the role of this variant in disease. Therefore, it has been classified as a Variant of Uncertain Significance.